The following is an entry in ClinVar:

ClinVar aggregate classification (germline): Uncertain significance (1 of 4 stars; one submission).

Submission:

Labcorp Genetics (formerly Invitae), Labcorp
Classification: Uncertain significance. Last evaluated: 2024-05-23. Review status: criteria provided, single submitter. Criteria: Invitae Variant Classification Sherloc (09022015). Collection method: clinical testing. Allele origin: germline.
Comment: This sequence change replaces phenylalanine, which is neutral and non-polar, with cysteine, which is neutral and slightly polar, at codon 292 of the LZTR1 protein (p.Phe292Cys). This variant is not present in population databases (gnomAD no frequency). This variant has not been reported in the literature in individuals affected with LZTR1-related conditions. Advanced modeling of protein sequence and biophysical properties (such as structural, functional, and spatial information, amino acid conservation, physicochemical variation, residue mobility, and thermodynamic stability) performed at Invitae indicates that this missense variant is not expected to disrupt LZTR1 protein function with a negative predictive value of 80%. In summary, the available evidence is currently insufficient to determine the role of this variant in disease. Therefore, it has been classified as a Variant of Uncertain Significance.

NM_006767.4(LZTR1):c.875T>G (p.Phe292Cys)

Gene: LZTR1 (leucine zipper like post translational regulator 1; plus strand). Cytogenetic location: 22q11.21.
Variant type: single nucleotide variant.
Coding change: c.875T>G on transcript NM_006767.4 (MANE Select); coding-DNA position 875, T replaced by G.
Protein change: p.Phe292Cys; replaces phenylalanine 292 with cysteine.
Molecular consequence: missense variant.
Genome position (GRCh38, 1-based): chr22:20,991,711, T>G. VCF-style: chr22-20991711-T-G. GRCh37 (hg19) VCF-style: chr22-21346000-T-G.
Other names: short protein forms F292C.
Identifiers: ClinVar variation 3654343 (VCV003654343.2).
Genomic context (GRCh38, chr22:20,991,711, plus strand): 5'-ACCTGCTCCGGGGCTCCCCACCACCCCCGCAGCGGCGCTACGGGCATACCATGGTGGCCT[T>G]TGACCGCCACCTCTATGTGTTTGGGGGTGCGGCCGACAACACGCTGCCCAACGAGCTGCA-3'
Protein context (NP_006758.2, residues 282-302): QRRYGHTMVA[Phe292Cys]DRHLYVFGGA